The following is an entry in ClinVar:

NM_003640.5(ELP1):c.1214G>A (p.Arg405Gln)

Gene: ELP1 (elongator acetyltransferase complex subunit 1; minus strand). Cytogenetic location: 9q31.3.
Variant type: single nucleotide variant.
Coding change: c.1214G>A on transcript NM_003640.5 (MANE Select); coding-DNA position 1214, G replaced by A.
Protein change: p.Arg405Gln; replaces arginine 405 with glutamine.
Molecular consequence: missense variant.
Genome position (GRCh38, 1-based): chr9:108,911,156, C>T on the plus strand (G>A on the coding strand, the complement: ELP1 is on the minus strand). VCF-style: chr9-108911156-C-T. GRCh37 (hg19) VCF-style: chr9-111673436-C-T.
Other names: c.1214G>A (LRG_251t1, NM_003640.4); c.872G>A, p.Arg291Gln (NM_001318360.2); c.167G>A, p.Arg56Gln (NM_001330749.2); short protein forms R405Q, R291Q, R56Q.
Identifiers: ClinVar variation 455952 (VCV000455952.6), dbSNP rs369242781, ClinGen allele CA5175079.

ClinVar aggregate classification (germline): Uncertain significance. Review status: criteria provided, multiple submitters, no conflicts (2 of 4 stars). 4 submissions from 4 submitters: Uncertain significance (3). 1 of the submissions does not count toward it. Last evaluated 2026-07-27.

Conditions:
ELP1-related disorder. Also called: ELP1-related condition.
Familial dysautonomia. Also called: HSAN III; FD. Identifiers: Orphanet 1764, MedGen C0013364, MONDO:0009131, OMIM 223900. Disease mechanism: loss of function.

Allele frequency attached by ClinVar (database versions not stated): gnomAD exomes 0.00003 and 0.00002; ESP Exome Variant Server 0.00008; gnomAD 0.00001; ExAC 0.00002; TOPMed 0.00002.

Submissions (4):

PreventionGenetics, part of Exact Sciences
Classification: Uncertain significance for ELP1-related condition. Last evaluated: 2026-07-27. Review status: criteria provided, single submitter. Criteria: ACMG Guidelines, 2015. Collection method: clinical testing. Allele origin: germline.
Comment: The ELP1 c.1214G>A variant is predicted to result in the amino acid substitution p.Arg405Gln. To our knowledge, this variant has not been reported in the literature. This variant is reported in 0.0035% of alleles in individuals of European (Non-Finnish) descent in gnomAD. At this time, the clinical significance of this variant is uncertain due to the absence of conclusive functional and genetic evidence.

Ambry Genetics
Classification: Uncertain significance. Last evaluated: 2025-08-04. Review status: criteria provided, single submitter. Criteria: Ambry Variant Classification Scheme 2023. Collection method: clinical testing. Allele origin: germline.

Labcorp Genetics (formerly Invitae), Labcorp
Classification: Uncertain significance. Last evaluated: 2022-06-10. Review status: criteria provided, single submitter. Criteria: Invitae Variant Classification Sherloc (09022015). Collection method: clinical testing. Allele origin: germline.
Comment: This sequence change replaces arginine, which is basic and polar, with glutamine, which is neutral and polar, at codon 405 of the ELP1 protein (p.Arg405Gln). This variant is present in population databases (rs369242781, gnomAD 0.004%). This variant has not been reported in the literature in individuals affected with ELP1-related conditions. ClinVar contains an entry for this variant (Variation ID: 455952). Algorithms developed to predict the effect of missense changes on protein structure and function output the following: SIFT: "Tolerated"; PolyPhen-2: "Benign"; Align-GVGD: "Class C0". The glutamine amino acid residue is found in multiple mammalian species, which suggests that this missense change does not adversely affect protein function. In summary, the available evidence is currently insufficient to determine the role of this variant in disease. Therefore, it has been classified as a Variant of Uncertain Significance.

Natera, Inc.
Classification: Uncertain significance for Hereditary sensory and autonomic neuropathy type III. Last evaluated: 2020-01-17. Review status: no assertion criteria provided. Collection method: clinical testing. Allele origin: germline. Not counted in ClinVar's aggregate classification.